The following is an entry in ClinVar:

ClinVar aggregate classification (germline): Uncertain significance. Review status: criteria provided, multiple submitters, no conflicts (2 of 4 stars). 3 submissions from 3 submitters: Uncertain significance (2). 1 of the submissions does not count toward it. Last evaluated 2023-12-01.

Conditions:
Nephrotic syndrome, type 9 (NPHS9). Identifiers: Orphanet 656, MedGen C3809965, MONDO:0014257, OMIM 615573.
Focal segmental glomerulosclerosis (FSGS). Also called: Glomerulosclerosis, focal; Focal sclerosis with hyalinosis. Identifiers: MedGen C0017668, MONDO:0100313, HP:0000097. Disease mechanism: loss of function.

Allele frequency attached by ClinVar (database versions not stated): gnomAD exomes 0.00001.
gnomAD v4.1: 10 of 1,612,782 alleles (0.00062%); highest among the groups gnomAD compares: East Asian, 0.0022%; no homozygotes.

Submissions (3):

Precision Medicine Center, Zhengzhou University
Classification: Uncertain significance for Nephrotic syndrome, type 9. Last evaluated: 2023-12-01. Review status: criteria provided, single submitter. Criteria: ACMG Guidelines, 2015. Collection method: clinical testing. Allele origin: de novo.
Comment: PM2_p,PM3

Juno Genomics, Hangzhou Juno Genomics, Inc
Classification: Uncertain significance for Nephrotic syndrome, type 9. Review status: criteria provided, single submitter. Criteria: ACMG Guidelines, 2015. Collection method: clinical testing. Allele origin: germline. Affected: yes.
Comment: Absent from controls (or at extremely low frequency if recessive) in Genome Aggregation Database, Exome Sequencing Project, 1000 Genomes Project, or Exome Aggregation Consortium.;Multiple lines of computational evidence support a deleterious effect on the gene or gene product (conservation, evolutionary, splicing impact, etc).

Sydney Genome Diagnostics, Children's Hospital Westmead
Classification: Uncertain significance for Focal segmental glomerulosclerosis. Last evaluated: 2019-06-14. Review status: no assertion criteria provided. Collection method: clinical testing. Allele origin: unknown. Affected: yes. Observed: 1 variant allele, 1 homozygote. Not counted in ClinVar's aggregate classification.
Comment: The variant has not been reported in any population databases (i.e. gnomAD, ExAC, ESP or dbSNP). To our knowledge, this variant has not been previously reported in the literature or any disease specific databases. In silico analysis of pathogenicity (through Alamut Visual v2.8.1) using PolyPhen2, MutationTaster and SIFT suggest that this variant is likely to be pathogenic. However, this segregation is not sufficient to establish the pathogenicity of this variant and further segregation studies are recommended. This variant is considered to be a variant of uncertain clinical significance (VOUS) according to the ACMG guidelines. (Evidence used: PM2, PP3).

Literature cited by the submitters: PubMed 32543055 (cited by Precision Medicine Center, Zhengzhou University).

NM_024876.4(COQ8B):c.538C>T (p.Arg180Cys)

Gene: COQ8B (coenzyme Q8B; minus strand). Cytogenetic location: 19q13.2.
Variant type: single nucleotide variant.
Coding change: c.538C>T on transcript NM_024876.4 (MANE Select); coding-DNA position 538, C replaced by T.
Protein change: p.Arg180Cys; replaces arginine 180 with cysteine.
Molecular consequence: missense variant.
Genome position (GRCh38, 1-based): chr19:40,705,134, G>A on the plus strand (C>T on the coding strand, the complement: COQ8B is on the minus strand). VCF-style: chr19-40705134-G-A. GRCh37 (hg19) VCF-style: chr19-41211039-G-A.
Other names: c.415C>T, p.Arg139Cys (NM_001142555.3); short protein forms R139C, R180C.
Identifiers: ClinVar variation 988159 (VCV000988159.5), dbSNP rs866812916, ClinGen allele CA308445755.